The following is an entry in ClinVar:

NM_001184.4(ATR):c.6515C>T (p.Pro2172Leu)

Gene: ATR (ATR checkpoint kinase; minus strand). Cytogenetic location: 3q23.
Variant type: single nucleotide variant.
Coding change: c.6515C>T on transcript NM_001184.4 (MANE Select); coding-DNA position 6515, C replaced by T.
Protein change: p.Pro2172Leu; replaces proline 2172 with leucine.
Molecular consequence: missense variant.
Genome position (GRCh38, 1-based): chr3:142,469,374, G>A on the plus strand (C>T on the coding strand, the complement: ATR is on the minus strand). VCF-style: chr3-142469374-G-A. GRCh37 (hg19) VCF-style: chr3-142188216-G-A.
Other names: c.6323C>T, p.Pro2108Leu (NM_001354579.2); short protein forms P2108L, P2172L.
Identifiers: ClinVar variation 1753978 (VCV001753978.3), dbSNP rs2071204828, ClinGen allele CA354804358.

ClinVar aggregate classification (germline): Uncertain significance (1 of 4 stars; one submission).

Conditions:
Inborn genetic diseases. Identifiers: MedGen C0950123, MeSH D030342.

Submission:

Ambry Genetics
Classification: Uncertain significance for Inborn genetic diseases. Last evaluated: 2024-09-02. Review status: criteria provided, single submitter. Criteria: Ambry Variant Classification Scheme 2023. Collection method: clinical testing. Allele origin: germline.
Comment: The p.P2172L variant (also known as c.6515C>T), located in coding exon 38 of the ATR gene, results from a C to T substitution at nucleotide position 6515. The proline at codon 2172 is replaced by leucine, an amino acid with similar properties. This amino acid position is conserved. In addition, the in silico prediction for this alteration is inconclusive. Since supporting evidence is limited at this time, the clinical significance of this alteration remains unclear.